The following is an entry in ClinVar:

NM_173076.3(ABCA12):c.2833dup (p.Arg945fs)

Gene: ABCA12 (ATP binding cassette subfamily A member 12; minus strand). Cytogenetic location: 2q35.
Variant type: Duplication.
Coding change: c.2833dup on transcript NM_173076.3 (MANE Select); coding-DNA position 2833, one base duplicated (A; older notation c.2833dupA).
Protein change: p.Arg945fs; shifts the reading frame from arginine 945.
Molecular consequence: frameshift variant. On other transcripts: non-coding transcript variant (1).
Genome position (GRCh38, 1-based): chr2:215,001,588, T duplicated on the plus strand (A on the coding strand, the reverse complement: ABCA12 is on the minus strand); the first of 4 consecutive T bases (chr2:215,001,588-215,001,591); duplicating any one gives the same sequence. VCF-style (leftmost placement, unchanged base first): chr2-215001587-C-CT. GRCh37 (hg19) VCF-style: chr2-215866311-C-CT.
Other names: c.1879dup, p.Arg627fs (NM_015657.4); c.2833dup (NM_173076.2); short protein forms R627fs, R945fs.
Identifiers: ClinVar variation 932573 (VCV000932573.40), dbSNP rs1700146530, ClinGen allele CA1139657681.

ClinVar aggregate classification (germline): Pathogenic. Review status: criteria provided, multiple submitters, no conflicts (2 of 4 stars). 2 submissions from 2 submitters: Pathogenic (2). Last evaluated 2026-01-20.

Submissions (2):

GeneDx
Classification: Pathogenic. Last evaluated: 2026-01-20. Review status: criteria provided, single submitter. Criteria: GeneDx Variant Classification Process June 2021. Collection method: clinical testing. Allele origin: germline.
Comment: Frameshift variant predicted to result in protein truncation or nonsense mediated decay in a gene for which loss of function is a known mechanism of disease; Not observed at significant frequency in large population cohorts (gnomAD); This variant is associated with the following publications: (PMID: 34958143, 34273205, 36980989)

CeGaT Center for Human Genetics Tuebingen
Classification: Pathogenic. Last evaluated: 2020-06-01. Review status: criteria provided, single submitter. Criteria: CeGaT Center For Human Genetics Tuebingen Variant Classification Criteria Version 2. Collection method: clinical testing. Allele origin: germline. Affected: yes. Observed: 3 variant alleles.